The following is an entry in ClinVar:

ClinVar aggregate classification (germline): Likely benign. Review status: criteria provided, multiple submitters, no conflicts (2 of 4 stars). 2 submissions from 2 submitters: Likely benign (2). Last evaluated 2025-01-20.

Allele frequency attached by ClinVar (database versions not stated): gnomAD 0.00001; gnomAD exomes 0.00001; TOPMed 0.00006.
gnomAD v4.1: 7 of 1,613,378 alleles (0.00043%); highest among the groups gnomAD compares: Admixed American, 0.0083%; no homozygotes.

Submissions (2):

Labcorp Genetics (formerly Invitae), Labcorp
Classification: Likely benign. Last evaluated: 2025-01-20. Review status: criteria provided, single submitter. Criteria: Invitae Variant Classification Sherloc (09022015). Collection method: clinical testing. Allele origin: germline.

Laboratory for Molecular Medicine, Mass General Brigham Personalized Medicine
Classification: Likely benign. Last evaluated: 2019-02-26. Review status: criteria provided, single submitter. Criteria: LMM Criteria. Collection method: clinical testing. Allele origin: germline. Observed: 1 variant allele.
Comment: The p.Arg569Arg variant in RDX Is classified as likely benign because it does not alter an amino acid residue, it is not located within the splice consensus sequence, and splice prediction algorithms do not predict a newly created splice site. ACMG/AMP Criteria applied: BP4, BP7.

NM_002906.4(RDX):c.1707A>T (p.Arg569=)

Gene: RDX (radixin; minus strand). Cytogenetic location: 11q22.3.
Variant type: single nucleotide variant.
Coding change: c.1707A>T on transcript NM_002906.4 (MANE Select); coding-DNA position 1707, A replaced by T.
Protein change: p.Arg569=; no amino-acid change (arginine 569 retained).
Molecular consequence: synonymous variant.
Genome position (GRCh38, 1-based): chr11:110,231,914, T>A on the plus strand (A>T on the coding strand, the complement: RDX is on the minus strand). VCF-style: chr11-110231914-T-A. GRCh37 (hg19) VCF-style: chr11-110102639-T-A.
Other names: c.1707A>T, p.Arg569= (NM_001260492.2, NM_001260493.2); c.1299A>T, p.Arg433= (NM_001260494.2); c.666A>T, p.Arg222= (NM_001260495.2); c.495A>T, p.Arg165= (NM_001260496.2).
Identifiers: ClinVar variation 666744 (VCV000666744.7), dbSNP rs1591131619, ClinGen allele CA476752027.